The following is an entry in ClinVar:

ClinVar aggregate classification (germline): Uncertain significance (1 of 4 stars; one submission).

Conditions:
Sphingolipid activator protein 1 deficiency. Also called: Metachromatic leukodystrophy due to saposin B deficiency; METACHROMATIC LEUKODYSTROPHY DUE TO CEREBROSIDE SULFATASE ACTIVATOR DEFICIENCY; Saposin B Deficiency. Identifiers: Orphanet 512, MedGen C0268262, MONDO:0009590, OMIM 249900.

Submission:

Labcorp Genetics (formerly Invitae), Labcorp
Classification: Uncertain significance for Sphingolipid activator protein 1 deficiency. Last evaluated: 2022-11-28. Review status: criteria provided, single submitter. Criteria: Invitae Variant Classification Sherloc (09022015). Collection method: clinical testing. Allele origin: germline.
Comment: This variant is not present in population databases (gnomAD no frequency). ClinVar contains an entry for this variant (Variation ID: 1390816). This variant has not been reported in the literature in individuals affected with PSAP-related conditions. This sequence change replaces threonine, which is neutral and polar, with arginine, which is basic and polar, at codon 363 of the PSAP protein (p.Thr363Arg). Algorithms developed to predict the effect of sequence changes on RNA splicing suggest that this variant may create or strengthen a splice site. In summary, the available evidence is currently insufficient to determine the role of this variant in disease. Therefore, it has been classified as a Variant of Uncertain Significance. Advanced modeling of protein sequence and biophysical properties (such as structural, functional, and spatial information, amino acid conservation, physicochemical variation, residue mobility, and thermodynamic stability) performed at Invitae indicates that this missense variant is expected to disrupt PSAP protein function.

NM_002778.4(PSAP):c.1088C>G (p.Thr363Arg)

Gene: PSAP (prosaposin; minus strand). Cytogenetic location: 10q22.1.
Variant type: single nucleotide variant.
Coding change: c.1088C>G on transcript NM_002778.4 (MANE Select); coding-DNA position 1088, C replaced by G.
Protein change: p.Thr363Arg; replaces threonine 363 with arginine.
Molecular consequence: missense variant.
Genome position (GRCh38, 1-based): chr10:71,819,818, G>C on the plus strand (C>G on the coding strand, the complement: PSAP is on the minus strand). VCF-style: chr10-71819818-G-C. GRCh37 (hg19) VCF-style: chr10-73579575-G-C.
Other names: c.1097C>G, p.Thr366Arg (NM_001042465.3); c.1094C>G, p.Thr365Arg (NM_001042466.3); short protein forms T363R, T366R, T365R.
Identifiers: ClinVar variation 1390816 (VCV001390816.6), dbSNP rs140066253, ClinGen allele CA377144479.